The following is an entry in ClinVar:

NM_015175.3(NBEAL2):c.7387C>T (p.Gln2463Ter)

Gene: NBEAL2 (neurobeachin like 2; plus strand). Cytogenetic location: 3p21.31.
Variant type: single nucleotide variant.
Coding change: c.7387C>T on transcript NM_015175.3 (MANE Select); coding-DNA position 7387, C replaced by T.
Protein change: p.Gln2463Ter; replaces glutamine 2463 with a stop codon.
Molecular consequence: nonsense.
Genome position (GRCh38, 1-based): chr3:47,007,577, C>T. VCF-style: chr3-47007577-C-T. GRCh37 (hg19) VCF-style: chr3-47049067-C-T.
Other names: c.7285C>T, p.Gln2429Ter (NM_001365116.2); short protein forms Q2463*, Q2429*.
Identifiers: ClinVar variation 627372 (VCV000627372.2), dbSNP rs1575629721, ClinGen allele CA352543113.

ClinVar aggregate classification (germline): Pathogenic (1 of 4 stars; one submission).

Conditions:
Gray platelet syndrome (GPS). Also called: BLEEDING DISORDER, PLATELET-TYPE, 4. Identifiers: Orphanet 721, MedGen C0272302, MONDO:0007686, OMIM 139090.

Submission:

NIHR Bioresource Rare Diseases, University of Cambridge
Classification: Pathogenic for Gray platelet syndrome. Last evaluated: 2020-03-01. Review status: criteria provided, single submitter. Criteria: ACMG Guidelines, 2015. Collection method: research. Allele origin: inherited. Inheritance: Autosomal recessive inheritance. Affected: yes. Observed: 2 variant alleles.
Comment: ACMG criteria: PVS1, PM2, PM3, PP1_supporting, PP4

Literature cited by the submitters: PubMed 32693407; PubMed 31064749.